The following is an entry in ClinVar:

NM_004637.6(RAB7A):c.529-2097A>G

Gene: RAB7A (RAB7A, member RAS oncogene family; plus strand). Cytogenetic location: 3q21.3.
Variant type: single nucleotide variant.
Coding change: c.529-2097A>G on transcript NM_004637.6 (MANE Select); 2097 bases into the intron before coding-DNA position 529, A replaced by G.
Molecular consequence: intron variant.
Genome position (GRCh38, 1-based): chr3:128,811,230, A>G. VCF-style: chr3-128811230-A-G. GRCh37 (hg19) VCF-style: chr3-128530073-A-G.
Identifiers: ClinVar variation 2672956 (VCV002672956.23), dbSNP rs771783904, ClinGen allele CA82634424.
Genomic context (GRCh38, chr3:128,811,230, plus strand): 5'-AGGCTGATACGCAGTGGTGCAATCATCACTCGCTATAACCTCCAACTTCTGGGCTCCAGC[A>G]GTCTTCCCACCATAGCCTCCTAAGTAGGTAGGACTACAGGCACACCCATGCTATAATTGA-3'

ClinVar aggregate classification (germline): Likely benign (1 of 4 stars; one submission).

Allele frequency attached by ClinVar (database versions not stated): TOPMed 0.00006; gnomAD 0.00023.
gnomAD v4.1: 35 of 152,128 alleles (0.023%); highest among the groups gnomAD compares: Non-Finnish European, 0.01%; no homozygotes.

Submission:

CeGaT Center for Human Genetics Tuebingen
Classification: Likely benign. Last evaluated: 2026-03-01. Review status: criteria provided, single submitter. Criteria: CeGaT Center For Human Genetics Tuebingen Variant Classification Criteria Version 2. Collection method: clinical testing. Allele origin: germline. Affected: yes. Observed: 2 variant alleles.
Comment: RAB7A: BS1